The following is an entry in ClinVar:

ClinVar aggregate classification (germline): Uncertain significance. Review status: criteria provided, multiple submitters, no conflicts (2 of 4 stars). 3 submissions from 3 submitters: Uncertain significance (3). Last evaluated 2024-09-30.

Conditions:
Multiple endocrine neoplasia, type 2 (MEN2). Identifiers: Orphanet 653, MedGen C4048306, MONDO:0019003. Disease mechanism: gain of function.
Hirschsprung disease, susceptibility to, 1 (HSCR1). Also called: RET-Related Hirschsprung Disease. Identifiers: Orphanet 388, MedGen C3888239, MONDO:0007723, OMIM 142623.
Hereditary cancer-predisposing syndrome. Also called: Neoplastic Syndromes, Hereditary; Hereditary Cancer Syndrome; Tumor predisposition; Hereditary neoplastic syndrome. Identifiers: Orphanet 140162, MedGen C0027672, MeSH D009386, MONDO:0015356.

Allele frequency attached by ClinVar (database versions not stated): gnomAD exomes below 0.00001.
gnomAD v4.1: 1 of 1,612,570 alleles (0.000062%); highest among the groups gnomAD compares: Non-Finnish European, 0.000085%; no homozygotes.

Submissions (3):

Ambry Genetics
Classification: Uncertain significance for Hereditary cancer-predisposing syndrome. Last evaluated: 2024-09-30. Review status: criteria provided, single submitter. Criteria: Ambry Variant Classification Scheme 2023. Collection method: clinical testing. Allele origin: germline.
Comment: The p.D266N variant (also known as c.796G>A), located in coding exon 4 of the RET gene, results from a G to A substitution at nucleotide position 796. The aspartic acid at codon 266 is replaced by asparagine, an amino acid with highly similar properties. This amino acid position is highly conserved in available vertebrate species. In addition, this alteration is predicted to be tolerated by in silico analysis. Since supporting evidence is limited at this time, the clinical significance of this alteration remains unclear.

Labcorp Genetics (formerly Invitae), Labcorp
Classification: Uncertain significance for Multiple endocrine neoplasia, type 2. Last evaluated: 2023-09-08. Review status: criteria provided, single submitter. Criteria: Invitae Variant Classification Sherloc (09022015). Collection method: clinical testing. Allele origin: germline.
Comment: In summary, the available evidence is currently insufficient to determine the role of this variant in disease. Therefore, it has been classified as a Variant of Uncertain Significance. This sequence change replaces aspartic acid, which is acidic and polar, with asparagine, which is neutral and polar, at codon 266 of the RET protein (p.Asp266Asn). This variant is not present in population databases (gnomAD no frequency). This variant has not been reported in the literature in individuals affected with RET-related conditions. ClinVar contains an entry for this variant (Variation ID: 543748). An algorithm developed to predict the effect of missense changes on protein structure and function (PolyPhen-2) suggests that this variant is likely to be tolerated.

Baylor Genetics
Classification: Uncertain significance for Hirschsprung disease, susceptibility to, 1. Last evaluated: 2023-08-16. Review status: criteria provided, single submitter. Criteria: ACMG Guidelines, 2015. Collection method: clinical testing. Allele origin: unknown.

NM_020975.6(RET):c.796G>A (p.Asp266Asn)

Gene: RET (ret proto-oncogene; plus strand). Cytogenetic location: 10q11.21.
Variant type: single nucleotide variant.
Coding change: c.796G>A on transcript NM_020975.6 (MANE Select); coding-DNA position 796, G replaced by A.
Protein change: p.Asp266Asn; replaces aspartic acid 266 with asparagine.
Molecular consequence: missense variant.
Genome position (GRCh38, 1-based): chr10:43,105,122, G>A. VCF-style: chr10-43105122-G-A. GRCh37 (hg19) VCF-style: chr10-43600570-G-A.
Other names: c.796G>A, p.Asp266Asn (NM_000323.2, NM_001406743.1, NM_001406744.1 and 8 more transcripts); c.34G>A, p.Asp12Asn (NM_001355216.2); c.667G>A, p.Asp223Asn (NM_001406761.1, NM_001406762.1, NM_001406764.1 and 2 more transcripts); c.508G>A, p.Asp170Asn (NM_001406766.1, NM_001406767.1, NM_001406770.1); short protein forms D266N, D12N, D223N, D170N.
Identifiers: ClinVar variation 543748 (VCV000543748.14), dbSNP rs1554817823, ClinGen allele CA376545111.